The following is an entry in ClinVar:

NM_000085.5(CLCNKB):c.905_906del (p.Cys302fs)

Gene: CLCNKB (chloride voltage-gated channel Kb; plus strand).
Variant type: Deletion.
Coding change: c.905_906del on transcript NM_000085.5 (MANE Select); coding-DNA positions 905 to 906, 2 bases deleted.
Protein change: p.Cys302fs; shifts the reading frame from cysteine 302.
Molecular consequence: frameshift variant.
Other names: c.398_399del, p.Cys133fs (NM_001165945.2); short protein forms C133fs, C302fs.
Identifiers: ClinVar variation 4686725 (VCV004686725.1).

ClinVar aggregate classification (germline): Likely pathogenic (1 of 4 stars; one submission).

Conditions:
Bartter disease type 3. Also called: Bartter syndrome type 3. Identifiers: Orphanet 112, Orphanet 93605, MedGen C1846343, MONDO:0011822, OMIM 607364.

Submission:

Kasturba Medical College, Manipal, Kasturba Medical College, Manipal, Manipal Academy of Higher Education, Manipal, India
Classification: Likely pathogenic for Bartter disease type 3. Last evaluated: 2026-01-19. Review status: criteria provided, single submitter. Criteria: ACMG Guidelines, 2015. Collection method: research. Allele origin: paternal. Inheritance: Autosomal recessive inheritance. Affected: yes.
Comment: This variant is absent in the gnomAD (v4.1.0) population database and our in-house cohort of 3962 individuals. This variant is predicted to cause shift in the reading frame and premature termination of the transcript, which may either lead to the nonsense-mediated mRNA decay or formation of a truncated protein product. However, further validation and segregation of CNV is recommended.